The following is an entry in ClinVar:

ClinVar aggregate classification (germline): Uncertain significance (1 of 4 stars; one submission).

Allele frequency attached by ClinVar (database versions not stated): TOPMed below 0.00001.
gnomAD v4.1: 1 of 1,614,138 alleles (0.000062%); highest among the groups gnomAD compares: Non-Finnish European, 0.000085%; no homozygotes.

Submission:

Labcorp Genetics (formerly Invitae), Labcorp
Classification: Uncertain significance. Last evaluated: 2022-07-12. Review status: criteria provided, single submitter. Criteria: Invitae Variant Classification Sherloc (09022015). Collection method: clinical testing. Allele origin: germline.
Comment: In summary, the available evidence is currently insufficient to determine the role of this variant in disease. Therefore, it has been classified as a Variant of Uncertain Significance. Algorithms developed to predict the effect of sequence changes on RNA splicing suggest that this variant may create or strengthen a splice site. Algorithms developed to predict the effect of missense changes on protein structure and function output the following: SIFT: "Tolerated"; PolyPhen-2: "Benign"; Align-GVGD: "Class C0". The lysine amino acid residue is found in multiple mammalian species, which suggests that this missense change does not adversely affect protein function. This variant has not been reported in the literature in individuals affected with AGBL5-related conditions. This variant is not present in population databases (gnomAD no frequency). This sequence change replaces glutamic acid, which is acidic and polar, with lysine, which is basic and polar, at codon 816 of the AGBL5 protein (p.Glu816Lys).

NM_021831.6(AGBL5):c.2446G>A (p.Glu816Lys)

Gene: AGBL5 (AGBL carboxypeptidase 5; plus strand). Cytogenetic location: 2p23.3.
Variant type: single nucleotide variant.
Coding change: c.2446G>A on transcript NM_021831.6 (MANE Select); coding-DNA position 2446, G replaced by A.
Protein change: p.Glu816Lys; replaces glutamic acid 816 with lysine.
Molecular consequence: missense variant. On other transcripts: non-coding transcript variant (2).
Genome position (GRCh38, 1-based): chr2:27,069,663, G>A. VCF-style: chr2-27069663-G-A. GRCh37 (hg19) VCF-style: chr2-27292531-G-A.
Other names: c.2446G>A, p.Glu816Lys (NM_001035506.1); short protein forms E816K.
Identifiers: ClinVar variation 1914920 (VCV001914920.5), dbSNP rs1572839022, ClinGen allele CA346142220.